The following is an entry in ClinVar:

NM_022095.4(ZNF335):c.2322C>T (p.Gly774=)

Gene: ZNF335 (zinc finger protein 335; minus strand). Cytogenetic location: 20q13.12.
Variant type: single nucleotide variant.
Coding change: c.2322C>T on transcript NM_022095.4 (MANE Select); coding-DNA position 2322, C replaced by T.
Protein change: p.Gly774=; no amino-acid change (glycine 774 retained).
Molecular consequence: synonymous variant.
Genome position (GRCh38, 1-based): chr20:45,957,860, G>A on the plus strand (C>T on the coding strand, the complement: ZNF335 is on the minus strand). VCF-style: chr20-45957860-G-A. GRCh37 (hg19) VCF-style: chr20-44586499-G-A.
Other names: c.2322C>T (NM_022095.3).
Identifiers: ClinVar variation 2150345 (VCV002150345.29), dbSNP rs149480604, ClinGen allele CA9885408.
Genomic context (GRCh38, chr20:45,957,860, plus strand): 5'-CCCTCCATGAGCTCCTATCCTCCTACAGAGCTCACCTTGCTGGTAGATGATGGTGGCGCC[G>A]CCCAGGGTGTCAGAACAGAGCAATGAGGGAGCCTCAGATGACTGGAAAGTTGTCGCCTCT-3'
Protein context (NP_071378.1, residues 764-784): APSLLCSDTL[Gly774=]GATIIYQQGA

ClinVar aggregate classification (germline): Likely benign. Review status: criteria provided, multiple submitters, no conflicts (2 of 4 stars). 3 submissions from 3 submitters: Likely benign (2). 1 of the submissions does not count toward it. Last evaluated 2024-01-05.

Conditions:
ZNF335-related disorder. Also called: ZNF335-related condition.

Allele frequency attached by ClinVar (database versions not stated): gnomAD 0.00005; ExAC 0.00006; ESP Exome Variant Server 0.00008; TOPMed 0.00008.
gnomAD v4.1: 120 of 1,613,732 alleles (0.0074%); highest among the groups gnomAD compares: Middle Eastern, 0.15%; 1 homozygote.

Submissions (3):

Labcorp Genetics (formerly Invitae), Labcorp
Classification: Likely benign. Last evaluated: 2024-01-05. Review status: criteria provided, single submitter. Criteria: Invitae Variant Classification Sherloc (09022015). Collection method: clinical testing. Allele origin: germline.

CeGaT Center for Human Genetics Tuebingen
Classification: Likely benign. Last evaluated: 2023-01-01. Review status: criteria provided, single submitter. Criteria: CeGaT Center For Human Genetics Tuebingen Variant Classification Criteria Version 2. Collection method: clinical testing. Allele origin: germline. Affected: yes. Observed: 1 variant allele.
Comment: ZNF335: BP4, BP7

PreventionGenetics, part of Exact Sciences
Classification: Likely benign for ZNF335-related condition. Last evaluated: 2019-06-11. Review status: no assertion criteria provided. Collection method: clinical testing. Allele origin: germline. Not counted in ClinVar's aggregate classification.
Comment: This variant is classified as likely benign based on ACMG/AMP sequence variant interpretation guidelines (Richards et al. 2015 PMID: 25741868, with internal and published modifications).